The following is an entry in ClinVar:

NM_031220.4(PITPNM3):c.900+1G>A

Gene: PITPNM3 (PITPNM family member 3; minus strand). Cytogenetic location: 17p13.2.
Variant type: single nucleotide variant.
Coding change: c.900+1G>A on transcript NM_031220.4 (MANE Select); the canonical splice donor site of the intron after coding-DNA position 900, G replaced by A.
Molecular consequence: splice donor variant.
Genome position (GRCh38, 1-based): chr17:6,477,974, C>T on the plus strand (G>A on the coding strand, the complement: PITPNM3 is on the minus strand). VCF-style: chr17-6477974-C-T. GRCh37 (hg19) VCF-style: chr17-6381294-C-T.
Other names: c.792+1G>A (NM_001165966.2).
Identifiers: ClinVar variation 4085323 (VCV004085323.8).

ClinVar aggregate classification (germline): Uncertain significance (1 of 4 stars; one submission).

Submission:

CeGaT Center for Human Genetics Tuebingen
Classification: Uncertain significance. Last evaluated: 2025-07-01. Review status: criteria provided, single submitter. Criteria: CeGaT Center For Human Genetics Tuebingen Variant Classification Criteria Version 2. Collection method: clinical testing. Allele origin: germline. Affected: yes. Observed: 1 variant allele.
Comment: PITPNM3: PM2